The following is an entry in ClinVar:

ClinVar aggregate classification (germline): Likely pathogenic (1 of 4 stars; one submission).

Conditions:
JAG1-related disorder. Also called: JAG1-related disorders; JAG1-related condition.

Submission:

PreventionGenetics, part of Exact Sciences
Classification: Likely pathogenic for JAG1-related condition. Last evaluated: 2025-11-06. Review status: criteria provided, single submitter. Criteria: ACMG Guidelines, 2015. Collection method: clinical testing. Allele origin: germline.
Comment: The JAG1 c.2009dupA variant is predicted to result in a frameshift and premature protein termination (p.Asp670Glufs*19). To our knowledge, this variant has not been reported in the literature or in a large population database (gnomAD), indicating this variant is rare. Frameshift variants in JAG1 are expected to be pathogenic. This variant is interpreted as likely pathogenic.

NM_000214.3(JAG1):c.2009dup (p.Asp670fs)

Gene: JAG1 (jagged canonical Notch ligand 1; minus strand). Cytogenetic location: 20p12.2.
Variant type: Duplication.
Coding change: c.2009dup on transcript NM_000214.3 (MANE Select); coding-DNA position 2009, one base duplicated (A; older notation c.2009dupA).
Protein change: p.Asp670fs; shifts the reading frame from aspartic acid 670.
Molecular consequence: frameshift variant.
Genome position (GRCh38, 1-based): chr20:10,645,460, T duplicated on the plus strand (A on the coding strand, the reverse complement: JAG1 is on the minus strand). VCF-style (leftmost placement, unchanged base first): chr20-10645459-G-GT. GRCh37 (hg19) VCF-style: chr20-10626107-G-GT.
Other names: short protein forms D670fs.
Identifiers: ClinVar variation 4994642 (VCV004994642.1).